The following is an entry in ClinVar:

ClinVar aggregate classification (germline): Likely benign (0 of 4 stars; one submission).

Conditions:
MYH3-related disorder. Also called: MYH3-Related Disorders; MYH3-related condition. Identifiers: MedGen CN239329.

Submission:

PreventionGenetics, part of Exact Sciences
Classification: Likely benign for MYH3-related condition. Last evaluated: 2022-04-11. Review status: no assertion criteria provided. Collection method: clinical testing. Allele origin: germline.
Comment: This variant is classified as likely benign based on ACMG/AMP sequence variant interpretation guidelines (Richards et al. 2015 PMID: 25741868, with internal and published modifications).

NM_002470.4(MYH3):c.1411-389del

Gene: MYH3 (myosin heavy chain 3; minus strand). Cytogenetic location: 17p13.1.
Variant type: Deletion.
Coding change: c.1411-389del on transcript NM_002470.4 (MANE Select); 389 bases into the intron before coding-DNA position 1411, one base deleted (A; older notation c.1411-389delA).
Molecular consequence: intron variant.
Genome position (GRCh38, 1-based): chr17:10,643,385, T deleted on the plus strand (A on the coding strand, the reverse complement: MYH3 is on the minus strand); the first of 10 consecutive T bases (chr17:10,643,385-10,643,394); deleting any one gives the same sequence. VCF-style (leftmost placement, unchanged base first): chr17-10643384-CT-C. GRCh37 (hg19) VCF-style: chr17-10546701-CT-C.
Identifiers: ClinVar variation 3029954 (VCV003029954.2), dbSNP rs569234224, ClinGen allele CA725970574.